The following is an entry in ClinVar:

ClinVar aggregate classification (germline): Uncertain significance (1 of 4 stars; one submission).

Submission:

GeneDx
Classification: Uncertain significance. Last evaluated: 2024-09-25. Review status: criteria provided, single submitter. Criteria: GeneDx Variant Classification Process June 2021. Collection method: clinical testing. Allele origin: germline. Affected: yes.
Comment: Not observed at significant frequency in large population cohorts (gnomAD); In silico analysis indicates that this variant does not alter protein structure/function; Has not been previously published as pathogenic or benign to our knowledge

NM_001283009.2(RTEL1):c.3124_3126delinsTAC (p.Gln1042Tyr)

Genes: RTEL1 (regulator of telomere elongation helicase 1; plus strand), RTEL1-TNFRSF6B (RTEL1-TNFRSF6B readthrough (NMD candidate); plus strand). Cytogenetic location: 20q13.33.
Variant type: Indel.
Coding change: c.3124_3126delinsTAC on transcript NM_001283009.2 (MANE Select); coding-DNA positions 3124 to 3126, CAA replaced by TAC.
Protein change: p.Gln1042Tyr; replaces glutamine 1042 with tyrosine.
Molecular consequence: missense variant. On other transcripts: non-coding transcript variant (1).
Genome position (GRCh38, 1-based): chr20:63,694,755-63,694,757, CAA replaced by TAC. VCF-style: chr20-63694755-CAA-TAC. GRCh37 (hg19) VCF-style: chr20-62326108-CAA-TAC.
Other names: c.2455_2457delinsTAC, p.Gln819Tyr (NM_001283010.1); c.3124_3126delinsTAC, p.Gln1042Tyr (NM_016434.4); c.3196_3198delinsTAC, p.Gln1066Tyr (NM_032957.5); short protein forms Q1042Y, Q1066Y, Q819Y.
Identifiers: ClinVar variation 3774781 (VCV003774781.1).
Genomic context (GRCh38, chr20:63,694,755, plus strand): 5'-GTCCTCCACCCCAGCGCCACTCTGAGCCATGCTACTCCCACACCAGGAGACCCTGGCAGC[CAA>TAC]CCACAGTGGGGGTCTGGAGTGCCCAGAGCAGGGAAGCAGGGCCAGCACGCCGTGAGCGCC-3'
Protein context (NP_001269938.1, residues 1032-1052): RPPPTGDPGS[Gln1042Tyr]PQWGSGVPRA